The following is an entry in ClinVar:

ClinVar aggregate classification (germline): Pathogenic. Review status: reviewed by expert panel (3 of 4 stars). 3 submissions from 3 submitters: Pathogenic (1). 2 of the submissions do not count toward it. Last evaluated 2016-10-18.

Conditions:
Breast-ovarian cancer, familial, susceptibility to, 1 (BROVCA1). Also called: OVARIAN CANCER, SUSCEPTIBILITY TO; BRCA1 Hereditary Breast and Ovarian Cancer. Identifiers: Orphanet 145, MedGen C2676676, MONDO:0011450, OMIM 604370. Disease mechanism: loss of function.

Submissions (3):

Evidence-based Network for the Interpretation of Germline Mutant Alleles (ENIGMA)
Classification: Pathogenic for Breast-ovarian cancer, familial, susceptibility to, 1. Last evaluated: 2016-10-18. Review status: reviewed by expert panel. Criteria: ENIGMA BRCA1/2 Classification Criteria (2015). Collection method: curation. Allele origin: germline.
Comment: Variant allele predicted to encode a truncated non-functional protein.

Consortium of Investigators of Modifiers of BRCA1/2 (CIMBA), c/o University of Cambridge
Classification: Pathogenic for Breast-ovarian cancer, familial, susceptibility to, 1. Last evaluated: 2015-10-02. Review status: criteria provided, single submitter. Criteria: CIMBA Mutation Classification guidelines May 2016. Collection method: clinical testing. Allele origin: germline. Not counted in ClinVar's aggregate classification.

BRCAlab, Lund University
Classification: Pathogenic for Breast-ovarian cancer, familial, susceptibility to, 1. Last evaluated: 2020-03-02. Review status: no assertion criteria provided. Collection method: clinical testing. Allele origin: germline. Affected: yes. Not counted in ClinVar's aggregate classification.

NM_007294.4(BRCA1):c.3314del (p.His1105fs)

Genes: BRCA1 (BRCA1 DNA repair associated; minus strand), LOC126862571 (BRD4-independent group 4 enhancer GRCh37_chr17:41243136-41244335; plus strand). Cytogenetic location: 17q21.31.
Variant type: Deletion.
Coding change: c.3314del on transcript NM_007294.4 (MANE Select); coding-DNA position 3314, one base deleted (A; older notation c.3314delA).
Protein change: p.His1105fs; shifts the reading frame from histidine 1105.
Molecular consequence: frameshift variant. On other transcripts: intron variant (137).
Genome position (GRCh38, 1-based): chr17:43,092,217, T deleted on the plus strand (A on the coding strand, the reverse complement: BRCA1 is on the minus strand). VCF-style (leftmost placement, unchanged base first): chr17-43092216-AT-A. GRCh37 (hg19) VCF-style: chr17-41244233-AT-A.
Other names: 3433delA (Stop1108); c.785-1185del (NM_001408402.1, NM_001408473.1, NM_001408399.1 and 13 more transcripts); c.665-1185del (NM_001408443.1, NM_001408439.1, NM_001408425.1 and 12 more transcripts); c.671-1185del (NM_001408419.1, NM_001408422.1, NM_001408418.1 and 2 more transcripts); c.788-1185del (NM_001408403.1, NM_001407983.1, NM_001407975.1 and 17 more transcripts); c.791-1194del (NM_001408406.1); c.647-1185del (NM_001408456.1, NM_001408410.1, NM_001408458.1 and 11 more transcripts); c.644-1185del (NM_001408465.1, NM_001408463.1, NM_001408462.1 and 3 more transcripts); and 42 more; short protein forms H1058fs, H1105fs, H1017fs, H1035fs, H1057fs, H1064fs, H1078fs, H809fs.
Identifiers: ClinVar variation 54835 (VCV000054835.7), dbSNP rs397509054, ClinGen allele CA002138.